The following is an entry in ClinVar:

ClinVar aggregate classification (germline): Likely pathogenic (1 of 4 stars; one submission).

Conditions:
Charlevoix-Saguenay spastic ataxia (SACS). Also called: SPASTIC ATAXIA 6, AUTOSOMAL RECESSIVE; AUTOSOMAL RECESSIVE SPASTIC ATAXIA OF CHARLEVOIX-SAGUENAY; Spastic ataxia of Charlevoix-Saguenay. Identifiers: Orphanet 98, MedGen C1849140, MONDO:0010041, OMIM 270550.

Submission:

3billion
Classification: Likely pathogenic for Charlevoix-Saguenay spastic ataxia. Last evaluated: 2024-11-13. Review status: criteria provided, single submitter. Criteria: ACMG Guidelines, 2015. Collection method: clinical testing. Allele origin: germline. Affected: yes.
Comment: The variant is not observed in the gnomAD v4.1.0 dataset. Predicted Consequence/Location: Frameshift: predicted to result in a loss or disruption of normal protein function through protein truncation. The predicted truncated protein may be shortened by more than 10%. Therefore, this variant is classified as Likely pathogenic according to the recommendation of ACMG/AMP guideline.

NM_014363.6(SACS):c.4716dup (p.Met1573fs)

Gene: SACS (sacsin molecular chaperone; minus strand). Cytogenetic location: 13q12.12.
Variant type: Duplication.
Coding change: c.4716dup on transcript NM_014363.6 (MANE Select); coding-DNA position 4716, one base duplicated (T; older notation c.4716dupT).
Protein change: p.Met1573fs; shifts the reading frame from methionine 1573.
Molecular consequence: frameshift variant.
Genome position (GRCh38, 1-based): chr13:23,339,160, A duplicated on the plus strand (T on the coding strand, the reverse complement: SACS is on the minus strand); the first of 2 consecutive A bases (chr13:23,339,160-23,339,161); duplicating either gives the same sequence. VCF-style (leftmost placement, unchanged base first): chr13-23339159-T-TA. GRCh37 (hg19) VCF-style: chr13-23913298-T-TA.
Other names: c.4275dup, p.Met1426fs (NM_001278055.2); c.4743dup, p.Met1582fs (NM_001437336.1); short protein forms M1426fs, M1573fs, M1582fs.
Identifiers: ClinVar variation 4292611 (VCV004292611.1).